The following is an entry in ClinVar:

NM_001378454.1(ALMS1):c.10166A>C (p.Glu3389Ala)

Gene: ALMS1 (ALMS1 centrosome and basal body associated protein; plus strand). Cytogenetic location: 2p13.1.
Variant type: single nucleotide variant.
Coding change: c.10166A>C on transcript NM_001378454.1 (MANE Select); coding-DNA position 10166, A replaced by C.
Protein change: p.Glu3389Ala; replaces glutamic acid 3389 with alanine.
Molecular consequence: missense variant.
Genome position (GRCh38, 1-based): chr2:73,557,307, A>C. VCF-style: chr2-73557307-A-C. GRCh37 (hg19) VCF-style: chr2-73784434-A-C.
Other names: c.10169A>C, p.Glu3390Ala (NM_015120.4); short protein forms E3389A, E3390A.
Identifiers: ClinVar variation 2135450 (VCV002135450.4), dbSNP rs1392524923, ClinGen allele CA347276702.

ClinVar aggregate classification (germline): Uncertain significance (1 of 4 stars; one submission).

Conditions:
Alstrom syndrome (ALMS). Identifiers: Orphanet 64, MedGen C0268425, MONDO:0008763, OMIM 203800.

Allele frequency attached by ClinVar (database versions not stated): gnomAD exomes below 0.00001; TOPMed below 0.00001.
gnomAD v4.1: 1 of 1,614,212 alleles (0.000062%); no homozygotes.

Submission:

Labcorp Genetics (formerly Invitae), Labcorp
Classification: Uncertain significance for Alstrom syndrome. Last evaluated: 2022-10-16. Review status: criteria provided, single submitter. Criteria: Invitae Variant Classification Sherloc (09022015). Collection method: clinical testing. Allele origin: germline.
Comment: In summary, the available evidence is currently insufficient to determine the role of this variant in disease. Therefore, it has been classified as a Variant of Uncertain Significance. Experimental studies and prediction algorithms are not available or were not evaluated, and the functional significance of this variant is currently unknown. This variant has not been reported in the literature in individuals affected with ALMS1-related conditions. This variant is not present in population databases (gnomAD no frequency). This sequence change replaces glutamic acid, which is acidic and polar, with alanine, which is neutral and non-polar, at codon 3390 of the ALMS1 protein (p.Glu3390Ala).